The following is an entry in ClinVar:

ClinVar aggregate classification (germline): Uncertain significance (1 of 4 stars; one submission).

Conditions:
Emery-Dreifuss muscular dystrophy (EDMD). Also called: Scapuloperoneal syndrome, X-linked (formerly); Humeroperoneal neuromuscular disease, (formerly). Identifiers: Orphanet 261, MedGen C0410189, MONDO:0016830.

gnomAD v4.1: 7 of 1,509,064 alleles (0.00046%); highest among the groups gnomAD compares: Non-Finnish European, 0.00062%; no homozygotes.

Submission:

Labcorp Genetics (formerly Invitae), Labcorp
Classification: Uncertain significance for Emery-Dreifuss muscular dystrophy. Last evaluated: 2025-12-31. Review status: criteria provided, single submitter. Criteria: Invitae Variant Classification Sherloc (09022015). Collection method: clinical testing. Allele origin: germline.
Comment: This sequence change replaces methionine, which is neutral and non-polar, with arginine, which is basic and polar, at codon 398 of the SUN2 protein (p.Met398Arg). This variant is not present in population databases (gnomAD no frequency). This variant has not been reported in the literature in individuals affected with SUN2-related conditions. An algorithm developed to predict the effect of missense changes on protein structure and function (PolyPhen-2) suggests that this variant is likely to be tolerated. Algorithms developed to predict the effect of sequence changes on RNA splicing suggest that this variant may disrupt the consensus splice site. In summary, the available evidence is currently insufficient to determine the role of this variant in disease. Therefore, it has been classified as a Variant of Uncertain Significance.

NM_015374.3(SUN2):c.1193T>G (p.Met398Arg)

Genes: GTPBP1 (GTP binding protein 1; plus strand), SUN2 (Sad1 and UNC84 domain containing 2; minus strand). Cytogenetic location: 22q13.1.
Variant type: single nucleotide variant.
Coding change: c.1193T>G on transcript NM_015374.3 (MANE Select); coding-DNA position 1193, T replaced by G.
Protein change: p.Met398Arg; replaces methionine 398 with arginine.
Molecular consequence: missense variant. On other transcripts: intron variant (1).
Genome position (GRCh38, 1-based): chr22:38,740,430, A>C on the plus strand (T>G on the coding strand, the complement: SUN2 is on the minus strand). VCF-style: chr22-38740430-A-C. GRCh37 (hg19) VCF-style: chr22-39136435-A-C.
Other names: c.1256T>G, p.Met419Arg (NM_001199579.2, NM_001394428.1); c.1193T>G, p.Met398Arg (NM_001199580.2, NM_001394431.1, NM_001394432.1 and 5 more transcripts); c.1286T>G, p.Met429Arg (NM_001394427.1); c.1238T>G, p.Met413Arg (NM_001394429.1, NM_001394430.1); c.1103T>G, p.Met368Arg (NM_001394438.1); c.1055T>G, p.Met352Arg (NM_001394439.1, NM_001394440.1, NM_001394441.1); c.701T>G, p.Met234Arg (NM_001394443.1); c.617T>G, p.Met206Arg (NM_001394444.1, NM_001394445.1); and 1 more; short protein forms M206R, M352R, M368R, M429R, M234R, M398R, M413R, M419R.
Identifiers: ClinVar variation 4692355 (VCV004692355.1).
Genomic context (GRCh38, chr22:38,740,430, plus strand): 5'-AGCTGGTCCTCCAGCCGCCTCAGCTCCTTCACAGAGCTCTCCTGGAAGGACTCCTGGGTC[A>C]TGCTGGTCCCAGAGAGAGAAGAGTAAGCCTCGGATCTCTTTGGTGGGAGGTAAGGCCACA-3'
Protein context (NP_056189.1, residues 388-408): IQQLKSEWQS[Met398Arg]TQESFQESSV